The following is an entry in ClinVar:

NM_033004.4(NLRP1):c.4312C>T (p.Arg1438Trp)

Gene: NLRP1 (NLR family pyrin domain containing 1; minus strand). Cytogenetic location: 17p13.2.
Variant type: single nucleotide variant.
Coding change: c.4312C>T on transcript NM_033004.4 (MANE Select); coding-DNA position 4312, C replaced by T.
Protein change: p.Arg1438Trp; replaces arginine 1438 with tryptophan.
Molecular consequence: missense variant. On other transcripts: intron variant (1).
Genome position (GRCh38, 1-based): chr17:5,514,864, G>A on the plus strand (C>T on the coding strand, the complement: NLRP1 is on the minus strand). VCF-style: chr17-5514864-G-A. GRCh37 (hg19) VCF-style: chr17-5418184-G-A.
Other names: c.4180C>T, p.Arg1394Trp (NM_014922.5); c.4222C>T, p.Arg1408Trp (NM_033006.4); c.4090C>T, p.Arg1364Trp (NM_033007.4); c.4069+2882C>T (NM_001033053.3); short protein forms R1438W, R1394W, R1364W, R1408W.
Identifiers: ClinVar variation 1934050 (VCV001934050.5), dbSNP rs2151732292, ClinGen allele CA397386607.

ClinVar aggregate classification (germline): Uncertain significance (1 of 4 stars; one submission).

gnomAD v4.1: 13 of 1,614,096 alleles (0.00081%); highest among the groups gnomAD compares: East Asian, 0.0022%; no homozygotes.

Submission:

Labcorp Genetics (formerly Invitae), Labcorp
Classification: Uncertain significance. Last evaluated: 2025-04-14. Review status: criteria provided, single submitter. Criteria: Invitae Variant Classification Sherloc (09022015). Collection method: clinical testing. Allele origin: germline.
Comment: This sequence change replaces arginine, which is basic and polar, with tryptophan, which is neutral and slightly polar, at codon 1438 of the NLRP1 protein (p.Arg1438Trp). This variant is not present in population databases (gnomAD no frequency). This variant has not been reported in the literature in individuals affected with NLRP1-related conditions. ClinVar contains an entry for this variant (Variation ID: 1934050). An algorithm developed to predict the effect of missense changes on protein structure and function outputs the following: PolyPhen-2: "Benign". The tryptophan amino acid residue is found in multiple mammalian species, which suggests that this missense change does not adversely affect protein function. In summary, the available evidence is currently insufficient to determine the role of this variant in disease. Therefore, it has been classified as a Variant of Uncertain Significance.